The following is an entry in ClinVar:

ClinVar aggregate classification (germline): Benign/Likely benign. Review status: criteria provided, multiple submitters, no conflicts (2 of 4 stars). 6 submissions from 6 submitters: Benign (3); Likely benign (2). 1 of the submissions does not count toward it. Last evaluated 2026-09-01.

Conditions:
PYROXD1-related disorder. Also called: PYROXD1-related condition.

Allele frequency attached by ClinVar (database versions not stated): 1000 Genomes Project 0.00260; 1000 Genomes Project 30x 0.00265; ExAC 0.00347; ESP Exome Variant Server 0.00392; gnomAD exomes 0.00394 and 0.00566; gnomAD 0.00424 and 0.00444; TOPMed 0.00521.

Submissions (13):

CeGaT Center for Human Genetics Tuebingen
Classification: Likely benign. Last evaluated: 2026-09-01. Review status: criteria provided, single submitter. Criteria: CeGaT Center For Human Genetics Tuebingen Variant Classification Criteria Version 2. Collection method: clinical testing. Allele origin: germline. Affected: yes. Observed: 9 variant alleles.
Comment: PYROXD1: BP4, BS2

Labcorp Genetics (formerly Invitae), Labcorp
Classification: Benign. Last evaluated: 2026-01-27. Review status: criteria provided, single submitter. Criteria: Invitae Variant Classification Sherloc (09022015). Collection method: clinical testing. Allele origin: germline.

Blueprint Genetics
Classification: Likely benign. Last evaluated: 2024-11-21. Review status: criteria provided, single submitter. Criteria: ACMG Guidelines, 2015. Collection method: clinical testing. Allele origin: germline.

Mayo Clinic Laboratories, Mayo Clinic
Classification: Benign. Last evaluated: 2024-10-07. Review status: criteria provided, single submitter. Criteria: ACMG Guidelines, 2015. Collection method: clinical testing. Allele origin: germline. Observed: 2 variant alleles.
Comment: BS1, BS2, BP4, BP7

GeneDx
Classification: Benign. Last evaluated: 2021-05-04. Review status: criteria provided, single submitter. Criteria: GeneDx Variant Classification Process June 2021. Collection method: clinical testing. Allele origin: germline. Affected: yes.
Comment: Has not been previously published as pathogenic or benign to our knowledge; In-silico analysis, which includes splice predictors and evolutionary conservation, is inconclusive as to whether the variant alters gene splicing. In the absence of RNA/functional studies, the actual effect of this sequence change is unknown.

PreventionGenetics, part of Exact Sciences
Classification: Benign for PYROXD1-related condition. Last evaluated: 2020-12-22. Review status: no assertion criteria provided. Collection method: clinical testing. Allele origin: germline. Not counted in ClinVar's aggregate classification.
Comment: This variant is classified as benign based on ACMG/AMP sequence variant interpretation guidelines (Richards et al. 2015 PMID: 25741868, with internal and published modifications).

Dr. Peter K. Rogan Lab, Western University
No classification provided (evidence only). Condition: Lung cancer. Review status: no classification provided. Collection method: in vitro. Allele origin: not applicable. Functional consequence: skipped exon. Not counted in ClinVar's aggregate classification.

Dr. Peter K. Rogan Lab, Western University
No classification provided (evidence only). Condition: Familial cancer of breast. Review status: no classification provided. Collection method: in vitro. Allele origin: not applicable. Functional consequence: retained intron. Not counted in ClinVar's aggregate classification.

Dr. Peter K. Rogan Lab, Western University
No classification provided (evidence only). Condition: Familial cancer of breast. Review status: no classification provided. Collection method: in vitro. Allele origin: not applicable. Functional consequence: retained intron. Not counted in ClinVar's aggregate classification.

Dr. Peter K. Rogan Lab, Western University
No classification provided (evidence only). Condition: Familial cancer of breast. Review status: no classification provided. Collection method: in vitro. Allele origin: not applicable. Functional consequence: skipped exon, retained intron. Not counted in ClinVar's aggregate classification.

Dr. Peter K. Rogan Lab, Western University
No classification provided (evidence only). Condition: Cervical cancer. Review status: no classification provided. Collection method: in vitro. Allele origin: not applicable. Functional consequence: retained intron. Not counted in ClinVar's aggregate classification.

Dr. Peter K. Rogan Lab, Western University
No classification provided (evidence only). Condition: Sarcoma. Review status: no classification provided. Collection method: in vitro. Allele origin: not applicable. Functional consequence: skipped exon. Not counted in ClinVar's aggregate classification.

Dr. Peter K. Rogan Lab, Western University
No classification provided (evidence only). Condition: Malignant tumor of esophagus. Review status: no classification provided. Collection method: in vitro. Allele origin: not applicable. Functional consequence: skipped exon, retained intron. Not counted in ClinVar's aggregate classification.

NM_024854.5(PYROXD1):c.881-6T>G

Gene: PYROXD1 (pyridine nucleotide-disulphide oxidoreductase domain 1; plus strand). Cytogenetic location: 12p12.1.
Variant type: single nucleotide variant.
Coding change: c.881-6T>G on transcript NM_024854.5 (MANE Select); 6 bases into the intron before coding-DNA position 881, T replaced by G.
Molecular consequence: intron variant.
Genome position (GRCh38, 1-based): chr12:21,462,002, T>G. VCF-style: chr12-21462002-T-G. GRCh37 (hg19) VCF-style: chr12-21614936-T-G.
Other names: p.?; c.104-6T>G (NM_001350913.2); c.668-6T>G (NM_001350912.2).
Identifiers: ClinVar variation 708210 (VCV000708210.38), dbSNP rs185019468, ClinGen allele CA6478387.
Genomic context (GRCh38, chr12:21,462,002, plus strand): 5'-TACACTGCTGTGGTGATGGTTCCATTTACAAATAAAGTCTGTTTTTTTGGTTTTTTTTTC[T>G]TAAAGAGATGTGGCCTGTCTATGTGGAATTGACCAATGAAAAGATATATGGCTGCGATTT-3'